The following is an entry in ClinVar:

NM_002332.3(LRP1):c.7635C>T (p.Asp2545=)

Gene: LRP1 (LDL receptor related protein 1; plus strand). Cytogenetic location: 12q13.3.
Variant type: single nucleotide variant.
Coding change: c.7635C>T on transcript NM_002332.3 (MANE Select); coding-DNA position 7635, C replaced by T.
Protein change: p.Asp2545=; no amino-acid change (aspartic acid 2545 retained).
Molecular consequence: synonymous variant.
Genome position (GRCh38, 1-based): chr12:57,193,255, C>T. VCF-style: chr12-57193255-C-T. GRCh37 (hg19) VCF-style: chr12-57587038-C-T.
Identifiers: ClinVar variation 3045249 (VCV003045249.2), dbSNP rs368393904, ClinGen allele CA6644116.

ClinVar aggregate classification (germline): Likely benign (0 of 4 stars; one submission).

Conditions:
LRP1-related disorder. Also called: LRP1-related condition.

Allele frequency attached by ClinVar (database versions not stated): gnomAD exomes 0.00002; ExAC 0.00007; TOPMed 0.00013; ESP Exome Variant Server 0.00015; gnomAD 0.00015; 1000 Genomes Project 30x 0.00031; 1000 Genomes Project 0.00040.
gnomAD v4.1: 51 of 1,613,960 alleles (0.0032%); highest among the groups gnomAD compares: African/African-American, 0.047%; 1 homozygote.

Submission:

PreventionGenetics, part of Exact Sciences
Classification: Likely benign for LRP1-related condition. Last evaluated: 2019-11-08. Review status: no assertion criteria provided. Collection method: clinical testing. Allele origin: germline.
Comment: This variant is classified as likely benign based on ACMG/AMP sequence variant interpretation guidelines (Richards et al. 2015 PMID: 25741868, with internal and published modifications).